The following is an entry in ClinVar:

NM_001399.5(EDA):c.670G>C (p.Gly224Arg)

Gene: EDA (ectodysplasin A; plus strand). Cytogenetic location: Xq13.1.
Variant type: single nucleotide variant.
Coding change: c.670G>C on transcript NM_001399.5 (MANE Select); coding-DNA position 670, G replaced by C.
Protein change: p.Gly224Arg; replaces glycine 224 with arginine.
Molecular consequence: missense variant.
Genome position (GRCh38, 1-based): chrX:70,028,000, G>C. VCF-style: chrX-70028000-G-C. GRCh37 (hg19) VCF-style: chrX-69247850-G-C.
Other names: c.670G>C, p.Gly224Arg (NM_001005609.2, NM_001005612.3); short protein forms G224R.
Identifiers: ClinVar variation 664102 (VCV000664102.10), dbSNP rs1602618398, ClinGen allele CA413448464.

ClinVar aggregate classification (germline): Pathogenic (1 of 4 stars; one submission).

Conditions:
Hypohidrotic X-linked ectodermal dysplasia (XHED). Also called: ECTODERMAL DYSPLASIA, HYPOHIDROTIC, 1; CST SYNDROME; Ectodermal Dysplasia 1, Anhidrotic; ECTODERMAL DYSPLASIA 1, HYPOHIDROTIC/HAIR/TOOTH TYPE, X-LINKED; ECTODERMAL DYSPLASIA 1, HYPOHIDROTIC, X-LINKED; Christ-Siemans-Touraine syndrome. Identifiers: Orphanet 181, Orphanet 238468, MedGen C0162359, MONDO:0010585, OMIM 305100.

Submission:

Labcorp Genetics (formerly Invitae), Labcorp
Classification: Pathogenic for Hypohidrotic X-linked ectodermal dysplasia. Last evaluated: 2023-03-10. Review status: criteria provided, single submitter. Criteria: Invitae Variant Classification Sherloc (09022015). Collection method: clinical testing. Allele origin: germline.
Comment: This missense change has been observed in individual(s) with clinical features of ectodermal dysplasia (Invitae). For these reasons, this variant has been classified as Pathogenic. This variant disrupts the Gly224 amino acid residue in EDA. Other variant(s) that disrupt this residue have been observed in individuals with EDA-related conditions (PMID: 9683615, 21357618), which suggests that this may be a clinically significant amino acid residue. Advanced modeling of protein sequence and biophysical properties (such as structural, functional, and spatial information, amino acid conservation, physicochemical variation, residue mobility, and thermodynamic stability) performed at Invitae indicates that this missense variant is expected to disrupt EDA protein function. ClinVar contains an entry for this variant (Variation ID: 664102). This variant is not present in population databases (gnomAD no frequency). This sequence change replaces glycine, which is neutral and non-polar, with arginine, which is basic and polar, at codon 224 of the EDA protein (p.Gly224Arg).

Literature cited by the submitters: PubMed 9683615; PubMed 21357618.